The following is an entry in ClinVar:

ClinVar aggregate classification (germline): Uncertain significance (1 of 4 stars; one submission).

Conditions:
Glucose-6-phosphate transport defect (GSD1B). Also called: GSD Ib; Glycogen Storage Disease Type Ib. Identifiers: Orphanet 364, Orphanet 79259, MedGen C0268146, MONDO:0009288, OMIM 232220.

Submission:

Labcorp Genetics (formerly Invitae), Labcorp
Classification: Uncertain significance for Glucose-6-phosphate transport defect. Last evaluated: 2022-02-10. Review status: criteria provided, single submitter. Criteria: Invitae Variant Classification Sherloc (09022015). Collection method: clinical testing. Allele origin: germline.
Comment: In summary, the available evidence is currently insufficient to determine the role of this variant in disease. Therefore, it has been classified as a Variant of Uncertain Significance. Experimental studies and prediction algorithms are not available or were not evaluated, and the functional significance of this variant is currently unknown. This variant has not been reported in the literature in individuals affected with SLC37A4-related conditions. This variant is not present in population databases (gnomAD no frequency). This sequence change replaces glycine, which is neutral and non-polar, with aspartic acid, which is acidic and polar, at codon 5 of the SLC37A4 protein (p.Gly5Asp).

NM_001164277.2(SLC37A4):c.14G>A (p.Gly5Asp)

Gene: SLC37A4 (solute carrier family 37 member 4; minus strand). Cytogenetic location: 11q23.3.
Variant type: single nucleotide variant.
Coding change: c.14G>A on transcript NM_001164277.2 (MANE Select); coding-DNA position 14, G replaced by A.
Protein change: p.Gly5Asp; replaces glycine 5 with aspartic acid.
Molecular consequence: missense variant. On other transcripts: intron variant (1).
Genome position (GRCh38, 1-based): chr11:119,029,356, C>T on the plus strand (G>A on the coding strand, the complement: SLC37A4 is on the minus strand). VCF-style: chr11-119029356-C-T. GRCh37 (hg19) VCF-style: chr11-118900066-C-T.
Other names: c.14G>A, p.Gly5Asp (NM_001164278.2, NM_001164280.2, NM_001467.6); c.-172+36G>A (NM_001164279.2); short protein forms G5D.
Identifiers: ClinVar variation 1471434 (VCV001471434.6), dbSNP rs2134644442, ClinGen allele CA382909261.